The following is an entry in ClinVar:

ClinVar aggregate classification (germline): Likely pathogenic (0 of 4 stars; one submission).

Conditions:
Pyruvate dehydrogenase E1-alpha deficiency (PDHAD). Also called: ATAXIA, INTERMITTENT, WITH PYRUVATE DEHYDROGENASE DEFICIENCY; ATAXIA WITH LACTIC ACIDOSIS I; ATAXIA, INTERMITTENT, WITH ABNORMAL PYRUVATE METABOLISM; Ataxia, intermittent, with pyruvate dehydrogenase, or decarboxylase, deficiency. Identifiers: Orphanet 79243, MedGen C1839413, MONDO:0010717, OMIM 312170.

Submission:

PDHA1 Study Group, University Children’s Hospital, Paracelsus Medical University
Classification: Likely pathogenic for Pyruvate dehydrogenase E1-alpha deficiency. Last evaluated: 2024-10-15. Review status: no assertion criteria provided. Collection method: research. Allele origin: germline. Affected: yes. Observed: 1 variant allele.
Comment: The NM_000284.3:c.688G>A (p.Gly230Arg) substitution is a missense variant in PDHA1 gene. These include . The variant has been reported in 1 published case (PMIDs: 30799092). Last literature search: July 12, 2024. This variant is absent or extremely rare in population-based cohorts in the Genome Aggregation Database (gnomAD). Individuals harboring this variant presented with clinical features compatible with PDHA1-related PDHc deficiency. In summary, this variant meets criteria to be classified as likely pathogenic (LP) for PDHA1-related PDHc deficiency based on the ACMG/AMP criteria applied: PM1, PM2, PP3, PP4 (last assessment October 15, 2024).

Literature cited by the submitters: PubMed 30799092; DOI 10.1093/brain/awaf430.

NM_000284.4(PDHA1):c.688G>A (p.Gly230Arg)

Gene: PDHA1 (pyruvate dehydrogenase E1 subunit alpha 1; plus strand). Cytogenetic location: Xp22.12.
Variant type: single nucleotide variant.
Coding change: c.688G>A on transcript NM_000284.4 (MANE Select); coding-DNA position 688, G replaced by A.
Protein change: p.Gly230Arg; replaces glycine 230 with arginine.
Molecular consequence: missense variant.
Genome position (GRCh38, 1-based): chrX:19,355,433, G>A. VCF-style: chrX-19355433-G-A. GRCh37 (hg19) VCF-style: chrX-19373551-G-A.
Other names: c.802G>A, p.Gly268Arg (NM_001173454.2); c.709G>A, p.Gly237Arg (NM_001173455.2); c.595G>A, p.Gly199Arg (NM_001173456.2); short protein forms G199R, G230R, G237R, G268R.
Identifiers: ClinVar variation 4070357 (VCV004070357.1).